The following is an entry in ClinVar:

ClinVar aggregate classification (germline): Pathogenic (1 of 4 stars; one submission).

Conditions:
Duchenne muscular dystrophy (DMD). Also called: Duchenne Muscular Dystrophy (DMD); MUSCULAR DYSTROPHY, PSEUDOHYPERTROPHIC PROGRESSIVE, DUCHENNE TYPE. Identifiers: Orphanet 98896, MedGen C0013264, MONDO:0010679, OMIM 310200.

Submission:

Labcorp Genetics (formerly Invitae), Labcorp
Classification: Pathogenic for Duchenne muscular dystrophy. Last evaluated: 2022-08-16. Review status: criteria provided, single submitter. Criteria: Invitae Variant Classification Sherloc (09022015). Collection method: clinical testing. Allele origin: germline.
Comment: ClinVar contains an entry for this variant (Variation ID: 1455458). Algorithms developed to predict the effect of sequence changes on RNA splicing suggest that this variant may disrupt the consensus splice site. Disruption of this splice site has been observed in individuals with clinical features of DMD-related muscular dystrophy (PMID: 30342905, 31412794). This variant is not present in population databases (gnomAD no frequency). This sequence change affects a donor splice site in intron 55 of the DMD gene. It is expected to disrupt RNA splicing. Variants that disrupt the donor or acceptor splice site typically lead to a loss of protein function (PMID: 16199547), and loss-of-function variants in DMD are known to be pathogenic (PMID: 16770791, 25007885). For these reasons, this variant has been classified as Pathogenic.

Literature cited by the submitters: PubMed 30342905; PubMed 31412794; PubMed 16199547; PubMed 16770791; PubMed 25007885.

NM_004006.3(DMD):c.8217+2T>G

Gene: DMD (dystrophin; minus strand). Cytogenetic location: Xp21.1.
Variant type: single nucleotide variant.
Coding change: c.8217+2T>G on transcript NM_004006.3 (MANE Select); the canonical splice donor site of the intron after coding-DNA position 8217, T replaced by G.
Molecular consequence: splice donor variant.
Genome position (GRCh38, 1-based): chrX:31,627,671, A>C on the plus strand (T>G on the coding strand, the complement: DMD is on the minus strand). VCF-style: chrX-31627671-A-C. GRCh37 (hg19) VCF-style: chrX-31645788-A-C.
Other names: c.8193+2T>G (NM_000109.4); c.4194+2T>G (NM_004011.4); c.4185+2T>G (NM_004012.4); c.837+2T>G (NM_004023.3, NM_004020.4, NM_004022.3 and 2 more transcripts); c.8205+2T>G (NM_004009.3); c.7848+2T>G (NM_004010.3).
Identifiers: ClinVar variation 1455458 (VCV001455458.8), dbSNP rs2148421651, ClinGen allele CA412657035.